The following is an entry in ClinVar:

NM_183357.3(ADCY5):c.2829C>T (p.Tyr943=)

Gene: ADCY5 (adenylate cyclase 5; minus strand). Cytogenetic location: 3q21.1.
Variant type: single nucleotide variant.
Coding change: c.2829C>T on transcript NM_183357.3 (MANE Select); coding-DNA position 2829, C replaced by T.
Protein change: p.Tyr943=; no amino-acid change (tyrosine 943 retained).
Molecular consequence: synonymous variant.
Genome position (GRCh38, 1-based): chr3:123,300,191, G>A on the plus strand (C>T on the coding strand, the complement: ADCY5 is on the minus strand). VCF-style: chr3-123300191-G-A. GRCh37 (hg19) VCF-style: chr3-123019038-G-A.
Other names: c.2829C>T (NM_183357.2); c.1779C>T, p.Tyr593= (NM_001199642.1); c.2829C>T, p.Tyr943= (NM_001378259.1).
Identifiers: ClinVar variation 1912523 (VCV001912523.6), dbSNP rs147561426, ClinGen allele CA2576980.

ClinVar aggregate classification (germline): Likely benign. Review status: criteria provided, multiple submitters, no conflicts (2 of 4 stars). 2 submissions from 2 submitters: Likely benign (2). Last evaluated 2025-07-02.

Conditions:
ADCY5-related disorder. Also called: ADCY5-related condition.

Allele frequency attached by ClinVar (database versions not stated): ExAC 0.00002; ESP Exome Variant Server 0.00015; 1000 Genomes Project 30x 0.00016; 1000 Genomes Project 0.00020; gnomAD exomes 0.00004; TOPMed 0.00003; gnomAD 0.00004.
gnomAD v4.1: 60 of 1,613,846 alleles (0.0037%); highest among the groups gnomAD compares: African/African-American, 0.0053%; no homozygotes.

Submissions (2):

PreventionGenetics, part of Exact Sciences
Classification: Likely benign for ADCY5-related condition. Last evaluated: 2025-07-02. Review status: criteria provided, single submitter. Criteria: ACMG Guidelines, 2015. Collection method: clinical testing. Allele origin: germline.
Comment: This variant is classified as likely benign based on ACMG/AMP sequence variant interpretation guidelines (Richards et al. 2015 PMID: 25741868, with internal and published modifications).

Labcorp Genetics (formerly Invitae), Labcorp
Classification: Likely benign. Last evaluated: 2022-10-13. Review status: criteria provided, single submitter. Criteria: Invitae Variant Classification Sherloc (09022015). Collection method: clinical testing. Allele origin: germline.